The following is an entry in ClinVar:

ClinVar aggregate classification (germline): Uncertain significance (1 of 4 stars; one submission).

Conditions:
Mucopolysaccharidosis, MPS-IV-A (MPS4A). Also called: Morquio syndrome A, mild; MORQUIO SYNDROME A; GALACTOSAMINE-6-SULFATASE DEFICIENCY; GALNS DEFICIENCY; MORQUIO A DISEASE; Mucopolysaccharidosis type IV A. Identifiers: Orphanet 309297, Orphanet 582, MedGen C0086651, MONDO:0009659, OMIM 253000.

Allele frequency attached by ClinVar (database versions not stated): gnomAD 0.00001; 1000 Genomes Project 0.00020; 1000 Genomes Project 30x 0.00031.
gnomAD v4.1: 9 of 1,523,340 alleles (0.00059%); highest among the groups gnomAD compares: Admixed American, 0.0079%; no homozygotes.

Submission:

Labcorp Genetics (formerly Invitae), Labcorp
Classification: Uncertain significance for Mucopolysaccharidosis, MPS-IV-A. Last evaluated: 2022-06-22. Review status: criteria provided, single submitter. Criteria: Invitae Variant Classification Sherloc (09022015). Collection method: clinical testing. Allele origin: germline.
Comment: This sequence change replaces valine, which is neutral and non-polar, with leucine, which is neutral and non-polar, at codon 16 of the GALNS protein (p.Val16Leu). This variant is present in population databases (rs577397719, gnomAD 0.01%). This variant has not been reported in the literature in individuals affected with GALNS-related conditions. Advanced modeling of protein sequence and biophysical properties (such as structural, functional, and spatial information, amino acid conservation, physicochemical variation, residue mobility, and thermodynamic stability) performed at Invitae indicates that this missense variant is not expected to disrupt GALNS protein function. In summary, the available evidence is currently insufficient to determine the role of this variant in disease. Therefore, it has been classified as a Variant of Uncertain Significance.

NM_000512.5(GALNS):c.46G>T (p.Val16Leu)

Genes: TRAPPC2L (trafficking protein particle complex subunit 2L; plus strand), GALNS (galactosamine (N-acetyl)-6-sulfatase; minus strand), LOC130059762 (ATAC-STARR-seq lymphoblastoid silent region 7883; plus strand). Cytogenetic location: 16q24.3.
Variant type: single nucleotide variant.
Coding change: c.46G>T on transcript NM_000512.5 (MANE Select); coding-DNA position 46, G replaced by T.
Protein change: p.Val16Leu; replaces valine 16 with leucine.
Molecular consequence: missense variant. On other transcripts: 5 prime UTR variant (2).
Genome position (GRCh38, 1-based): chr16:88,856,832, C>A on the plus strand (G>T on the coding strand, the complement: GALNS is on the minus strand). VCF-style: chr16-88856832-C-A. GRCh37 (hg19) VCF-style: chr16-88923240-C-A.
Other names: c.-386G>T (NM_001323543.2); c.-107G>T (NM_001323544.2); short protein forms V16L.
Identifiers: ClinVar variation 1984427 (VCV001984427.1), dbSNP rs577397719, ClinGen allele CA8235410.